The following is an entry in ClinVar:

NM_014946.4(SPAST):c.1223C>A (p.Ala408Asp)

Gene: SPAST (spastin; plus strand). Cytogenetic location: 2p22.3.
Variant type: single nucleotide variant.
Coding change: c.1223C>A on transcript NM_014946.4 (MANE Select); coding-DNA position 1223, C replaced by A.
Protein change: p.Ala408Asp; replaces alanine 408 with aspartic acid.
Molecular consequence: missense variant.
Genome position (GRCh38, 1-based): chr2:32,128,457, C>A. VCF-style: chr2-32128457-C-A. GRCh37 (hg19) VCF-style: chr2-32353526-C-A.
Other names: c.1220C>A, p.Ala407Asp (NM_001363823.2); c.1124C>A, p.Ala375Asp (NM_001363875.2); c.1127C>A, p.Ala376Asp (NM_001377959.1, NM_199436.2); short protein forms A375D, A376D, A407D, A408D.
Identifiers: ClinVar variation 4531859 (VCV004531859.1).

ClinVar aggregate classification (germline): Likely pathogenic (1 of 4 stars; one submission).

Conditions:
Hereditary spastic paraplegia 4. Also called: Spastic Paraplegia 4; Spastic paraplegia 4, autosomal dominant; Familial spastic paraplegia autosomal dominant 2. Identifiers: Orphanet 100985, MedGen C1866855, MONDO:0008438, OMIM 182601.

Submission:

Victorian Clinical Genetics Services, Murdoch Childrens Research Institute
Classification: Likely pathogenic for Hereditary spastic paraplegia 4. Last evaluated: 2025-06-11. Review status: criteria provided, single submitter. Criteria: ACMG Guidelines, 2015. Collection method: clinical testing. Allele origin: germline. Affected: yes.
Comment: This variant is classified as Likely pathogenic. Evidence in support of pathogenic classification: Variant is absent from gnomAD (v2, v3 and v4); Other missense variant(s) comparable to the one identified in this case have inconclusive previous evidence for pathogenicity. p.(Ala408Val) has been classified as a VUS by clinical laboratories in ClinVar [personal communication indicates it has been identified in individuals with hereditary spastic paraplegia (HSP)], and reported in the literature in an individual with HSP(PMID: 23400676). p.(Ala408Gly) has been reported in the literature in an individual with HSP (PMID: 25611737); Missense variant predicted to be damaging by in silico tool(s) or highly conserved with a major amino acid change; Additional information: Variant is predicted to result in a missense amino acid change from alanine to aspartic acid; This variant is heterozygous; This gene is associated with autosomal dominant disease; This variant has no previous evidence of pathogenicity; No published segregation evidence has been identified for this variant; No published functional evidence has been identified for this variant; Variant is located in the annotated AAA domain (DECIPHER); Dominant negative and loss of function are known mechanisms of disease in this gene and are associated with spastic paraplegia 4 (MIM#182601). Multiple loss of function variants have been reported, while a dominant negative mechanism has been stipulated for a small number of missense variants (ClinVar; PMID: 30006150); The condition associated with this gene has incomplete penetrance, but this is age-dependent and only a small proportion of individuals remain asymptomatic (PMID: 30476002); Variants in this gene are known to have variable expressivity, with variable age of onset and disease severity (PMID: 30476002).

Literature cited by the submitters: PubMed 30006150; PubMed 23400676; PubMed 25611737; PubMed 30476002.